The following is an entry in ClinVar:

ClinVar aggregate classification (germline): Pathogenic (1 of 4 stars; one submission).

Submission:

Labcorp Genetics (formerly Invitae), Labcorp
Classification: Pathogenic. Last evaluated: 2022-11-12. Review status: criteria provided, single submitter. Criteria: Invitae Variant Classification Sherloc (09022015). Collection method: clinical testing. Allele origin: unknown.
Comment: This variant is a gross deletion of the genomic region encompassing exon(s) 41 of the EYS gene. This deletion is out-of-frame, and is expected to create a premature termination codon and result in an absent or disrupted protein product. Loss-of-function variants in EYS are known to be pathogenic (PMID: 18836446, 20333770). For these reasons, this variant has been classified as Pathogenic. This variant has not been reported in the literature in individuals affected with EYS-related conditions.

Literature cited by the submitters: PubMed 18836446; PubMed 20333770.

NC_000006.11:g.(?_64472344)_(64472536_?)del

Gene: EYS (eyes shut homolog; minus strand). Cytogenetic location: 6q12.
Variant type: Deletion.
Identifiers: ClinVar variation 3246097 (VCV003246097.1).